The following is an entry in ClinVar:

ClinVar aggregate classification (germline): Uncertain significance (1 of 4 stars; one submission).

Conditions:
Parathyroid carcinoma (PRTC). Also called: Parathyroid gland carcinoma; CDC73-Related Parathyroid Carcinoma. Identifiers: Orphanet 143, MedGen C0687150, MONDO:0012004, OMIM 608266, HP:0006780.

gnomAD v4.1: 1 of 1,613,604 alleles (0.000062%); no homozygotes.

Submission:

Labcorp Genetics (formerly Invitae), Labcorp
Classification: Uncertain significance for Parathyroid carcinoma. Last evaluated: 2025-10-01. Review status: criteria provided, single submitter. Criteria: Invitae Variant Classification Sherloc (09022015). Collection method: clinical testing. Allele origin: germline.
Comment: This sequence change replaces threonine, which is neutral and polar, with isoleucine, which is neutral and non-polar, at codon 422 of the CDC73 protein (p.Thr422Ile). This variant is not present in population databases (gnomAD no frequency). This variant has not been reported in the literature in individuals affected with CDC73-related conditions. Invitae Evidence Modeling of protein sequence and biophysical properties (such as structural, functional, and spatial information, amino acid conservation, physicochemical variation, residue mobility, and thermodynamic stability) indicates that this missense variant is expected to disrupt CDC73 protein function with a positive predictive value of 80%. In summary, the available evidence is currently insufficient to determine the role of this variant in disease. Therefore, it has been classified as a Variant of Uncertain Significance.

NM_024529.5(CDC73):c.1265C>T (p.Thr422Ile)

Gene: CDC73 (cell division cycle 73; plus strand). Cytogenetic location: 1q31.2.
Variant type: single nucleotide variant.
Coding change: c.1265C>T on transcript NM_024529.5 (MANE Select); coding-DNA position 1265, C replaced by T.
Protein change: p.Thr422Ile; replaces threonine 422 with isoleucine.
Molecular consequence: missense variant.
Genome position (GRCh38, 1-based): chr1:193,233,103, C>T. VCF-style: chr1-193233103-C-T. GRCh37 (hg19) VCF-style: chr1-193202233-C-T.
Other names: short protein forms T422I.
Identifiers: ClinVar variation 4780575 (VCV004780575.1).